The following is an entry in ClinVar:

NM_006267.5(RANBP2):c.2056-9T>G

Gene: RANBP2 (RAN binding protein 2; plus strand). Cytogenetic location: 2q13.
Variant type: single nucleotide variant.
Coding change: c.2056-9T>G on transcript NM_006267.5 (MANE Select); 9 bases into the intron before coding-DNA position 2056, T replaced by G.
Molecular consequence: intron variant.
Genome position (GRCh38, 1-based): chr2:108,753,816, T>G. VCF-style: chr2-108753816-T-G. GRCh37 (hg19) VCF-style: chr2-109370272-T-G.
Identifiers: ClinVar variation 857549 (VCV000857549.7), dbSNP rs1164901760, ClinGen allele CA916082196.

ClinVar aggregate classification (germline): Uncertain significance (1 of 4 stars; one submission).

Conditions:
Familial acute necrotizing encephalopathy (IIAE3). Also called: ENCEPHALOPATHY, ACUTE, INFECTION-INDUCED, SUSCEPTIBILITY TO, 3; Susceptibility to Acute Necrotizing Encephalopathy 1. Identifiers: Orphanet 88619, MedGen C2675556, MONDO:0011953, OMIM 608033.

Submission:

Labcorp Genetics (formerly Invitae), Labcorp
Classification: Uncertain significance for Familial acute necrotizing encephalopathy. Last evaluated: 2019-04-01. Review status: criteria provided, single submitter. Criteria: Invitae Variant Classification Sherloc (09022015). Collection method: clinical testing. Allele origin: germline.
Comment: In summary, the available evidence is currently insufficient to determine the role of this variant in disease. Therefore, it has been classified as a Variant of Uncertain Significance. Algorithms developed to predict the effect of sequence changes on RNA splicing suggest that this variant may disrupt the consensus splice site, but this prediction has not been confirmed by published transcriptional studies. This variant has not been reported in the literature in individuals with RANBP2-related conditions. This variant is not present in population databases (ExAC no frequency). This sequence change falls in intron 14 of the RANBP2 gene. It does not directly change the encoded amino acid sequence of the RANBP2 protein.